The following is an entry in ClinVar:

NM_003482.4(KMT2D):c.11103T>C (p.Pro3701=)

Gene: KMT2D (lysine methyltransferase 2D; minus strand). Cytogenetic location: 12q13.12.
Variant type: single nucleotide variant.
Coding change: c.11103T>C on transcript NM_003482.4 (MANE Select); coding-DNA position 11103, T replaced by C.
Protein change: p.Pro3701=; no amino-acid change (proline 3701 retained).
Molecular consequence: synonymous variant.
Genome position (GRCh38, 1-based): chr12:49,033,602, A>G on the plus strand (T>C on the coding strand, the complement: KMT2D is on the minus strand). VCF-style: chr12-49033602-A-G. GRCh37 (hg19) VCF-style: chr12-49427385-A-G.
Identifiers: ClinVar variation 4999947 (VCV004999947.1).

ClinVar aggregate classification (germline): Likely benign (1 of 4 stars; one submission).

Conditions:
KMT2D-related disorder. Also called: KMT2D-Related Disorders.

Submission:

PreventionGenetics, part of Exact Sciences
Classification: Likely benign for KMT2D-related condition. Last evaluated: 2025-06-27. Review status: criteria provided, single submitter. Criteria: ACMG Guidelines, 2015. Collection method: clinical testing. Allele origin: germline.
Comment: This variant is classified as likely benign based on ACMG/AMP sequence variant interpretation guidelines (Richards et al. 2015 PMID: 25741868, with internal and published modifications).